The following is an entry in ClinVar:

NM_006767.4(LZTR1):c.357C>G (p.Tyr119Ter)

Gene: LZTR1 (leucine zipper like post translational regulator 1; plus strand). Cytogenetic location: 22q11.21.
Variant type: single nucleotide variant.
Coding change: c.357C>G on transcript NM_006767.4 (MANE Select); coding-DNA position 357, C replaced by G.
Protein change: p.Tyr119Ter; replaces tyrosine 119 with a stop codon.
Molecular consequence: nonsense.
Genome position (GRCh38, 1-based): chr22:20,987,540, C>G. VCF-style: chr22-20987540-C-G. GRCh37 (hg19) VCF-style: chr22-21341829-C-G.
Other names: short protein forms Y119*.
Identifiers: ClinVar variation 3238273 (VCV003238273.1), dbSNP rs1482222775.
Genomic context (GRCh38, chr22:20,987,540, plus strand): 5'-TCACCACCCCTGTGCCCACCCCAGGGCCTTTACCACTGGGACCCCACCGGCCCCCCGTTA[C>G]CACCACTCGGCCGTCGTCTATGGGAGCAGCATGTTTGTCTTTGGTAAGCAGCCTCTTGCC-3'

ClinVar aggregate classification (germline): Pathogenic (1 of 4 stars; one submission).

Conditions:
Hereditary cancer-predisposing syndrome. Also called: Neoplastic Syndromes, Hereditary; Tumor predisposition; Hereditary neoplastic syndrome; Hereditary Cancer Syndrome. Identifiers: Orphanet 140162, MedGen C0027672, MeSH D009386, MONDO:0015356.
Cardiovascular phenotype. Identifiers: MedGen CN230736.

gnomAD v4.1: 6 of 1,614,154 alleles (0.00037%); highest among the groups gnomAD compares: East Asian, 0.0022%; no homozygotes.

Submission:

Ambry Genetics
Classification: Pathogenic for Cardiovascular phenotype; Hereditary cancer-predisposing syndrome. Last evaluated: 2023-09-20. Review status: criteria provided, single submitter. Criteria: Ambry Variant Classification Scheme 2023. Collection method: clinical testing. Allele origin: germline.
Comment: The p.Y119* variant (also known as c.357C>G), located in coding exon 4 of the LZTR1 gene, results from a C to G substitution at nucleotide position 357. This changes the amino acid from a tyrosine to a stop codon within coding exon 4. Loss-of-function variants in LZTR1 are related to an increased risk for schwannomas and autosomal recessive Noonan syndrome; however, such associations with autosomal dominant Noonan syndrome have not been observed (Piotrowski A et al. Nat Genet. 2014 Feb;46:182-7; Yamamoto GL et al. J Med Genet. 2015 Jun;52:413-21; Johnston JJ et al. Genet Med. 2018 10;20:1175-1185). This alteration is expected to result in loss of function by premature protein truncation or nonsense-mediated mRNA decay. Based on the supporting evidence, this variant is pathogenic for an increased risk of LZTR1-related schwannomatosis (SWN) and would be expected to cause autosomal recessive Noonan syndrome when present along with a second pathogenic or likely pathogenic variant on the other allele; however, the association of this alteration with autosomal dominant Noonan syndrome is unlikely.